The following is an entry in ClinVar:

NM_000069.3(CACNA1S):c.4919C>T (p.Ser1640Leu)

Gene: CACNA1S (calcium voltage-gated channel subunit alpha1 S; minus strand). Cytogenetic location: 1q32.1.
Variant type: single nucleotide variant.
Coding change: c.4919C>T on transcript NM_000069.3 (MANE Select); coding-DNA position 4919, C replaced by T.
Protein change: p.Ser1640Leu; replaces serine 1640 with leucine.
Molecular consequence: missense variant.
Genome position (GRCh38, 1-based): chr1:201,043,410, G>A on the plus strand (C>T on the coding strand, the complement: CACNA1S is on the minus strand). VCF-style: chr1-201043410-G-A. GRCh37 (hg19) VCF-style: chr1-201012538-G-A.
Other names: short protein forms S1640L.
Identifiers: ClinVar variation 4756504 (VCV004756504.1).
Genomic context (GRCh38, chr1:201,043,410, plus strand): 5'-TTGGCACGAGCCAGGGGGTTGGTGCGTGGATCTTGTGGGAAGTCCTCCAAGAAGACAGGT[G>A]ACTCCATCTCTTCCATCTCTATCTCAGCAAACTGGAGGGGTCTCTGATTGGCCATGACGG-3'
Protein context (NP_000060.2, residues 1630-1650): FAEIEMEEME[Ser1640Leu]PVFLEDFPQD

ClinVar aggregate classification (germline): Uncertain significance (1 of 4 stars; one submission).

Conditions:
Malignant hyperthermia, susceptibility to, 5 (MHS5). Also called: CACNA1S-Related Malignant Hyperthermia Susceptibility. Identifiers: Orphanet 423, MedGen C1866077, MONDO:0011163, OMIM 601887.

gnomAD v4.1: 3 of 1,614,166 alleles (0.00019%); highest among the groups gnomAD compares: Non-Finnish European, 0.00025%; no homozygotes.

Submission:

Color Diagnostics, LLC DBA Color Health
Classification: Uncertain significance for Malignant hyperthermia, susceptibility to, 5. Last evaluated: 2025-09-14. Review status: criteria provided, single submitter. Criteria: ACMG Guidelines, 2015. Collection method: clinical testing. Allele origin: germline.
Comment: This missense variant replaces serine with leucine at codon 1640 of the CACNA1S protein. Computational prediction is inconclusive regarding the impact of this variant on protein structure and function. To our knowledge, functional studies have not been reported for this variant. This variant has not been reported in individuals affected with CACNA1S-related disorders in the literature. This variant has not been identified in the general population by the Genome Aggregation Database (gnomAD). The available evidence is insufficient to determine the role of this variant in disease conclusively. Therefore, this variant is classified as a Variant of Uncertain Significance.